The following is an entry in ClinVar:

ClinVar aggregate classification (germline): Uncertain significance. Review status: criteria provided, multiple submitters, no conflicts (2 of 4 stars). 3 submissions from 3 submitters: Uncertain significance (3). Last evaluated 2024-12-19.

Conditions:
SETX-related disorder. Also called: SETX-related condition; SETX-related disorders. Identifiers: MedGen CN239403.
Inborn genetic diseases. Identifiers: MedGen C0950123, MeSH D030342.
Amyotrophic lateral sclerosis type 4 (ALS4). Also called: AMYOTROPHIC LATERAL SCLEROSIS 4, JUVENILE; NEURONOPATHY, DISTAL HEREDITARY MOTOR, WITH PYRAMIDAL FEATURES. Identifiers: Orphanet 357043, MedGen C1865409, MONDO:0011223, OMIM 602433.
Spinocerebellar ataxia, autosomal recessive, with axonal neuropathy 2 (SCAN2). Also called: Ataxia-ocular apraxia-2; Ataxia with Oculomotor Apraxia Type 2; ATAXIA-OCULOMOTOR APRAXIA 2; Ataxia with Oculomotor Apraxia. Identifiers: Orphanet 64753, MedGen C1853761, MONDO:0018996, OMIM 606002.

Allele frequency attached by ClinVar (database versions not stated): TOPMed below 0.00001; gnomAD exomes 0.00001; ExAC 0.00002.
gnomAD v4.1: 8 of 1,614,092 alleles (0.0005%); highest among the groups gnomAD compares: Non-Finnish European, 0.00068%; no homozygotes.

Submissions (3):

PreventionGenetics, part of Exact Sciences
Classification: Uncertain significance for SETX-related condition. Last evaluated: 2024-12-19. Review status: criteria provided, single submitter. Criteria: ACMG Guidelines, 2015. Collection method: clinical testing. Allele origin: germline.
Comment: The SETX c.3902A>G variant is predicted to result in the amino acid substitution p.Gln1301Arg. To our knowledge, this variant has not been reported in the literature. This variant is reported in 0.0053% of alleles in individuals of European (Non-Finnish) descent in gnomAD. At this time, the clinical significance of this variant is uncertain due to the absence of conclusive functional and genetic evidence.

Ambry Genetics
Classification: Uncertain significance for Inborn genetic diseases. Last evaluated: 2024-12-03. Review status: criteria provided, single submitter. Criteria: Ambry Variant Classification Scheme 2023. Collection method: clinical testing. Allele origin: germline.

Labcorp Genetics (formerly Invitae), Labcorp
Classification: Uncertain significance for Amyotrophic lateral sclerosis type 4; Spinocerebellar ataxia, autosomal recessive, with axonal neuropathy 2. Last evaluated: 2024-07-20. Review status: criteria provided, single submitter. Criteria: Invitae Variant Classification Sherloc (09022015). Collection method: clinical testing. Allele origin: germline.
Comment: This sequence change replaces glutamine, which is neutral and polar, with arginine, which is basic and polar, at codon 1301 of the SETX protein (p.Gln1301Arg). This variant is present in population databases (rs765831760, gnomAD 0.004%). This variant has not been reported in the literature in individuals affected with SETX-related conditions. ClinVar contains an entry for this variant (Variation ID: 1736031). Advanced modeling of protein sequence and biophysical properties (such as structural, functional, and spatial information, amino acid conservation, physicochemical variation, residue mobility, and thermodynamic stability) has been performed at Invitae for this missense variant, however the output from this modeling did not meet the statistical confidence thresholds required to predict the impact of this variant on SETX protein function. In summary, the available evidence is currently insufficient to determine the role of this variant in disease. Therefore, it has been classified as a Variant of Uncertain Significance.

NM_015046.7(SETX):c.3902A>G (p.Gln1301Arg)

Gene: SETX (senataxin; minus strand). Cytogenetic location: 9q34.13.
Variant type: single nucleotide variant.
Coding change: c.3902A>G on transcript NM_015046.7 (MANE Select); coding-DNA position 3902, A replaced by G.
Protein change: p.Gln1301Arg; replaces glutamine 1301 with arginine.
Molecular consequence: missense variant.
Genome position (GRCh38, 1-based): chr9:132,327,696, T>C on the plus strand (A>G on the coding strand, the complement: SETX is on the minus strand). VCF-style: chr9-132327696-T-C. GRCh37 (hg19) VCF-style: chr9-135203083-T-C.
Other names: c.3902A>G, p.Gln1301Arg (NM_001351527.2, NM_001351528.2); short protein forms Q1301R.
Identifiers: ClinVar variation 1736031 (VCV001736031.7), dbSNP rs765831760, ClinGen allele CA5297309.